The following is an entry in ClinVar:

ClinVar aggregate classification (germline): Uncertain significance. Review status: criteria provided, multiple submitters, no conflicts (2 of 4 stars). 2 submissions from 2 submitters: Uncertain significance (2). Last evaluated 2020-07-27.

Conditions:
Autosomal recessive ataxia, Beauce type. Also called: ATAXIA, RECESSIVE, OF BEAUCE; Spinocerebellar ataxia, autosomal recessive 8; SYNE1-Related Autosomal Recessive Cerebellar Ataxia; SYNE1 Deficiency. Identifiers: Orphanet 88644, MedGen C1853116, MONDO:0012549, OMIM 610743.
Emery-Dreifuss muscular dystrophy 4, autosomal dominant (EDMD4). Also called: EMERY-DREIFUSS MUSCULAR DYSTROPHY 4 WITH VARIABLE FEATURES. Identifiers: Orphanet 261, MedGen C2751807, MONDO:0013071, OMIM 612998.

Allele frequency attached by ClinVar (database versions not stated): gnomAD 0.00001; TOPMed 0.00001; gnomAD exomes 0.00002 and 0.00003.
gnomAD v4.1: 48 of 1,613,862 alleles (0.003%); highest among the groups gnomAD compares: East Asian, 0.011%; no homozygotes.

Submissions (2):

Labcorp Genetics (formerly Invitae), Labcorp
Classification: Uncertain significance for Emery-Dreifuss muscular dystrophy 4, autosomal dominant; Autosomal recessive ataxia, Beauce type. Last evaluated: 2020-07-27. Review status: criteria provided, single submitter. Criteria: Invitae Variant Classification Sherloc (09022015). Collection method: clinical testing. Allele origin: germline.
Comment: In summary, the available evidence is currently insufficient to determine the role of this variant in disease. Therefore, it has been classified as a Variant of Uncertain Significance. Algorithms developed to predict the effect of missense changes on protein structure and function output the following: SIFT: "Tolerated"; PolyPhen-2: "Benign"; Align-GVGD: "Class C0". The isoleucine amino acid residue is found in multiple mammalian species, suggesting that this missense change does not adversely affect protein function. These predictions have not been confirmed by published functional studies and their clinical significance is uncertain. This variant has not been reported in the literature in individuals with SYNE1-related conditions. This variant is not present in population databases (ExAC no frequency). This sequence change replaces valine with isoleucine at codon 207 of the SYNE1 protein (p.Val207Ile). The valine residue is moderately conserved and there is a small physicochemical difference between valine and isoleucine.

Revvity Omics, Revvity
Classification: Uncertain significance. Last evaluated: 2019-02-11. Review status: criteria provided, single submitter. Criteria: ACMG Guidelines, 2015. Collection method: clinical testing. Allele origin: germline.

NM_182961.4(SYNE1):c.598G>A (p.Val200Ile)

Gene: SYNE1 (spectrin repeat containing nuclear envelope protein 1; minus strand). Cytogenetic location: 6q25.2.
Variant type: single nucleotide variant.
Coding change: c.598G>A on transcript NM_182961.4 (MANE Select); coding-DNA position 598, G replaced by A.
Protein change: p.Val200Ile; replaces valine 200 with isoleucine.
Molecular consequence: missense variant.
Genome position (GRCh38, 1-based): chr6:152,505,381, C>T on the plus strand (G>A on the coding strand, the complement: SYNE1 is on the minus strand). VCF-style: chr6-152505381-C-T. GRCh37 (hg19) VCF-style: chr6-152826516-C-T.
Other names: c.619G>A (NM_033071.3); c.619G>A, p.Val207Ile (NM_033071.5); short protein forms V200I, V207I.
Identifiers: ClinVar variation 1017325 (VCV001017325.11), dbSNP rs1467783489, ClinGen allele CA366149252.
Genomic context (GRCh38, chr6:152,505,381, plus strand): 5'-TGGCATGAATAACTGAATGAAAGGCAACCCCGCTTCTCCAACTCTTCCCAAAATCTTTTA[C>T]TTCTATTCCAGTCTGCCTTTGTGTTATAAAAACATAAAATGATGTCACATTCTGAATAGA-3'
Protein context (NP_892006.3, residues 190-210): YTAGKQTGIE[Val200Ile]KDFGKSWRSG